The following is an entry in ClinVar:

NM_001365951.3(KIF1B):c.*3690C>A

Gene: KIF1B (kinesin family member 1B; plus strand). Cytogenetic location: 1p36.22.
Variant type: single nucleotide variant.
Coding change: c.*3690C>A on transcript NM_001365951.3 (MANE Select); 3690 bases downstream of the stop codon, C replaced by A.
Molecular consequence: 3 prime UTR variant.
Genome position (GRCh38, 1-based): chr1:10,380,277, C>A. VCF-style: chr1-10380277-C-A. GRCh37 (hg19) VCF-style: chr1-10440335-C-A.
Other names: c.*3690C>A (NM_001365952.1, NM_015074.3).
Identifiers: ClinVar variation 875320 (VCV000875320.28), dbSNP rs540616562, ClinGen allele CA17860030.
Genomic context (GRCh38, chr1:10,380,277, plus strand): 5'-ATCCAGCTATACTTACTTGCACAGTGGATTGGAGAGAAAGGATTCTCCAGTGTGCACACT[C>A]ATCGGTACTCTTTCTGCATTTCCCTCGTGCTGTGTCCCGCTCGGGTTCCAATGGACAGTA-3'

ClinVar aggregate classification (germline): Benign. Review status: criteria provided, multiple submitters, no conflicts (2 of 4 stars). 2 submissions from 2 submitters: Benign (2). Last evaluated 2022-07-01.

Conditions:
Neuroblastoma (NB). Identifiers: Orphanet 635, MedGen C0027819, MeSH D009447, MONDO:0005072, HP:0003006.

Allele frequency attached by ClinVar (database versions not stated): gnomAD exomes 0.00011; gnomAD 0.00137 and 0.00140; TOPMed 0.00178; 1000 Genomes Project 0.00240; 1000 Genomes Project 30x 0.00297.
gnomAD v4.1: 216 of 212,324 alleles (0.1%); highest among the groups gnomAD compares: African/African-American, 0.44%; no homozygotes.

Submissions (2):

CeGaT Center for Human Genetics Tuebingen
Classification: Benign. Last evaluated: 2022-07-01. Review status: criteria provided, single submitter. Criteria: CeGaT Center For Human Genetics Tuebingen Variant Classification Criteria Version 2. Collection method: clinical testing. Allele origin: germline. Affected: yes. Observed: 1 variant allele.
Comment: KIF1B: BS1, BS2

Illumina Laboratory Services, Illumina
Classification: Benign for Neuroblastoma. Last evaluated: 2018-01-13. Review status: criteria provided, single submitter. Criteria: ICSL Variant Classification Criteria 13 December 2019. Collection method: clinical testing. Allele origin: germline.
Comment: This variant was observed in the ICSL laboratory as part of a predisposition screen in an ostensibly healthy population. It had not been previously curated by ICSL or reported in the Human Gene Mutation Database (HGMD: prior to June 1st, 2018), and was therefore a candidate for classification through an automated scoring system. Utilizing variant allele frequency, disease prevalence and penetrance estimates, and inheritance mode, an automated score was calculated to assess if this variant is too frequent to cause the disease. Based on the score and internal cut-off values, a variant classified as benign is not then subjected to further curation. The score for this variant resulted in a classification of benign for this disease.